The following is an entry in ClinVar:

ClinVar aggregate classification (germline): Uncertain significance (1 of 4 stars; one submission).

Conditions:
Cohen syndrome (COH1). Also called: PEPPER SYNDROME; Cutis verticis gyrata, retinitis pigmentosa, and sensorineural deafness. Identifiers: Orphanet 193, MedGen C0265223, MONDO:0008999, OMIM 216550.

Allele frequency attached by ClinVar (database versions not stated): gnomAD exomes 0.00001.
gnomAD v4.1: 9 of 1,614,106 alleles (0.00056%); highest among the groups gnomAD compares: Admixed American, 0.0017%; no homozygotes.

Submission:

Labcorp Genetics (formerly Invitae), Labcorp
Classification: Uncertain significance for Cohen syndrome. Last evaluated: 2022-07-20. Review status: criteria provided, single submitter. Criteria: Invitae Variant Classification Sherloc (09022015). Collection method: clinical testing. Allele origin: germline.
Comment: This sequence change replaces histidine, which is basic and polar, with glutamine, which is neutral and polar, at codon 1490 of the VPS13B protein (p.His1490Gln). This variant is not present in population databases (gnomAD no frequency). This variant has not been reported in the literature in individuals affected with VPS13B-related conditions. Algorithms developed to predict the effect of missense changes on protein structure and function are either unavailable or do not agree on the potential impact of this missense change (SIFT: "Not Available"; PolyPhen-2: "Possibly Damaging"; Align-GVGD: "Not Available"). Algorithms developed to predict the effect of sequence changes on RNA splicing suggest that this variant may create or strengthen a splice site. In summary, the available evidence is currently insufficient to determine the role of this variant in disease. Therefore, it has been classified as a Variant of Uncertain Significance.

NM_152564.5(VPS13B):c.4395T>A (p.His1465Gln)

Gene: VPS13B (vacuolar protein sorting 13 homolog B; plus strand). Cytogenetic location: 8q22.2.
Variant type: single nucleotide variant.
Coding change: c.4395T>A on transcript NM_152564.5 (MANE Select); coding-DNA position 4395, T replaced by A.
Protein change: p.His1465Gln; replaces histidine 1465 with glutamine.
Molecular consequence: missense variant.
Genome position (GRCh38, 1-based): chr8:99,511,274, T>A. VCF-style: chr8-99511274-T-A. GRCh37 (hg19) VCF-style: chr8-100523502-T-A.
Other names: c.4470T>A, p.His1490Gln (NM_017890.5); short protein forms H1465Q, H1490Q.
Identifiers: ClinVar variation 2173526 (VCV002173526.1), dbSNP rs2490521817, ClinGen allele CA371871532.
Genomic context (GRCh38, chr8:99,511,274, plus strand): 5'-GCGAAGAAGTTTTCATAAGTTATCTGAAGGCCTAATGGATGGTTCTCCTCATTTTCTTCA[T>A]GAAATTCTTCTTTCAGCACAAGCTTTTGATATTGTTCTTTATTTTCCTTTACTTAATGCC-3'
Protein context (NP_689777.3, residues 1455-1475): GLMDGSPHFL[His1465Gln]EILLSAQAFD